The following is an entry in ClinVar:

ClinVar aggregate classification (germline): Pathogenic. Review status: criteria provided, multiple submitters, no conflicts (2 of 4 stars). 3 submissions from 3 submitters: Pathogenic (3). Last evaluated 2025-04-03.

Conditions:
Hereditary nonpolyposis colorectal neoplasms. Identifiers: MedGen C0009405, MeSH D003123.
Hereditary cancer-predisposing syndrome. Also called: Tumor predisposition; Hereditary neoplastic syndrome; Neoplastic Syndromes, Hereditary; Hereditary Cancer Syndrome. Identifiers: Orphanet 140162, MedGen C0027672, MeSH D009386, MONDO:0015356.
Lynch syndrome 5 (LYNCH5). Also called: Colorectal cancer, hereditary nonpolyposis, type 5; Hereditary non-polyposis colorectal cancer, type 5. Identifiers: Orphanet 144, MedGen C1833477, MONDO:0013710, OMIM 614350. Disease mechanism: loss of function.

Submissions (3):

Labcorp Genetics (formerly Invitae), Labcorp
Classification: Pathogenic for Hereditary nonpolyposis colorectal neoplasms. Last evaluated: 2025-04-03. Review status: criteria provided, single submitter. Criteria: Invitae Variant Classification Sherloc (09022015). Collection method: clinical testing. Allele origin: germline.
Comment: This sequence change creates a premature translational stop signal (p.Ser256Metfs*23) in the MSH6 gene. It is expected to result in an absent or disrupted protein product. Loss-of-function variants in MSH6 are known to be pathogenic (PMID: 18269114, 24362816). This variant is not present in population databases (gnomAD no frequency). This variant has not been reported in the literature in individuals affected with MSH6-related conditions. ClinVar contains an entry for this variant (Variation ID: 2673786). For these reasons, this variant has been classified as Pathogenic.

Ambry Genetics
Classification: Pathogenic for Hereditary cancer-predisposing syndrome. Last evaluated: 2025-01-09. Review status: criteria provided, single submitter. Criteria: Ambry Variant Classification Scheme 2023. Collection method: clinical testing. Allele origin: germline.
Comment: The c.767delG pathogenic mutation, located in coding exon 4 of the MSH6 gene, results from a deletion of one nucleotide at nucleotide position 767, causing a translational frameshift with a predicted alternate stop codon (p.S256Mfs*23). This variant is considered to be rare based on population cohorts in the Genome Aggregation Database (gnomAD). This alteration is expected to result in loss of function by premature protein truncation or nonsense-mediated mRNA decay. As such, this alteration is interpreted as a disease-causing mutation.

Myriad Genetics, Inc.
Classification: Pathogenic for Lynch syndrome 5. Last evaluated: 2023-08-10. Review status: criteria provided, single submitter. Criteria: Myriad Autosomal Dominant, Autosomal Recessive and X-Linked Classification Criteria (2023). Collection method: clinical testing. Allele origin: unknown.
Comment: This variant is considered pathogenic. This variant creates a frameshift predicted to result in premature protein truncation.

Literature cited by the submitters: PubMed 18269114 (cited by Labcorp Genetics (formerly Invitae), Labcorp); PubMed 24362816 (cited by Labcorp Genetics (formerly Invitae), Labcorp).

NM_000179.3(MSH6):c.767del (p.Ser256fs)

Gene: MSH6 (mutS homolog 6; plus strand). Cytogenetic location: 2p16.3.
Variant type: Deletion.
Coding change: c.767del on transcript NM_000179.3 (MANE Select); coding-DNA position 767, one base deleted (G; older notation c.767delG).
Protein change: p.Ser256fs; shifts the reading frame from serine 256.
Molecular consequence: frameshift variant. On other transcripts: 5 prime UTR variant (9), non-coding transcript variant (4), intron variant (1).
Genome position (GRCh38, 1-based): chr2:47,798,750, G deleted. VCF-style (leftmost placement, unchanged base first): chr2-47798749-AG-A. GRCh37 (hg19) VCF-style: chr2-48025888-AG-A.
Other names: c.470del, p.Ser157fs (NM_001406818.1, NM_001406819.1, NM_001406820.1 and 10 more transcripts); c.-140del (NM_001406823.1, NM_001406829.1, NM_001281493.2 and 6 more transcripts); c.599del, p.Ser200fs (NM_001406826.1); c.628-1916del (NM_001407362.1); c.377del, p.Ser126fs (NM_001281492.2); c.863del, p.Ser288fs (NM_001406795.1, NM_001406802.1); c.767del, p.Ser256fs (NM_001406796.1, NM_001406798.1, NM_001406800.1 and 4 more transcripts); c.242del, p.Ser81fs (NM_001406799.1, NM_001406806.1, NM_001406807.1); and 2 more; short protein forms S126fs, S157fs, S200fs, S230fs, S256fs, S258fs, S288fs, S81fs.
Identifiers: ClinVar variation 2673786 (VCV002673786.3), dbSNP rs2530570478, ClinGen allele CA2695200245.